The following is an entry in ClinVar:

NM_182961.4(SYNE1):c.15153G>A (p.Glu5051=)

Gene: SYNE1 (spectrin repeat containing nuclear envelope protein 1; minus strand). Cytogenetic location: 6q25.2.
Variant type: single nucleotide variant.
Coding change: c.15153G>A on transcript NM_182961.4 (MANE Select); coding-DNA position 15153, G replaced by A.
Protein change: p.Glu5051=; no amino-acid change (glutamic acid 5051 retained).
Molecular consequence: synonymous variant.
Genome position (GRCh38, 1-based): chr6:152,326,436, C>T on the plus strand (G>A on the coding strand, the complement: SYNE1 is on the minus strand). VCF-style: chr6-152326436-C-T. GRCh37 (hg19) VCF-style: chr6-152647571-C-T.
Other names: c.14940G>A, p.Glu4980= (NM_033071.5).
Identifiers: ClinVar variation 391780 (VCV000391780.1), dbSNP rs1057524228, ClinGen allele CA16604996.

ClinVar aggregate classification (germline): Likely benign (1 of 4 stars; one submission).

Submission:

GeneDx
Classification: Likely benign. Last evaluated: 2016-12-16. Review status: criteria provided, single submitter. Criteria: GeneDx Variant Classification (06012015). Collection method: clinical testing. Allele origin: germline. Affected: yes.
Comment: This variant is considered likely benign or benign based on one or more of the following criteria: it is a conservative change, it occurs at a poorly conserved position in the protein, it is predicted to be benign by multiple in silico algorithms, and/or has population frequency not consistent with disease.